The following is an entry in ClinVar:

ClinVar aggregate classification (germline): Uncertain significance (1 of 4 stars; one submission).

Submission:

Labcorp Genetics (formerly Invitae), Labcorp
Classification: Uncertain significance. Last evaluated: 2023-01-06. Review status: criteria provided, single submitter. Criteria: Invitae Variant Classification Sherloc (09022015). Collection method: clinical testing. Allele origin: germline.
Comment: Algorithms developed to predict the effect of missense changes on protein structure and function are either unavailable or do not agree on the potential impact of this missense change (SIFT: "Deleterious"; PolyPhen-2: "Benign"; Align-GVGD: "Class C35"). ClinVar contains an entry for this variant (Variation ID: 970183). This variant has not been reported in the literature in individuals affected with ZNF513-related conditions. This variant is not present in population databases (gnomAD no frequency). This sequence change replaces glutamic acid, which is acidic and polar, with aspartic acid, which is acidic and polar, at codon 88 of the ZNF513 protein (p.Glu88Asp). In summary, the available evidence is currently insufficient to determine the role of this variant in disease. Therefore, it has been classified as a Variant of Uncertain Significance.

NM_144631.6(ZNF513):c.264G>C (p.Glu88Asp)

Gene: ZNF513 (zinc finger protein 513; minus strand). Cytogenetic location: 2p23.3.
Variant type: single nucleotide variant.
Coding change: c.264G>C on transcript NM_144631.6 (MANE Select); coding-DNA position 264, G replaced by C.
Protein change: p.Glu88Asp; replaces glutamic acid 88 with aspartic acid.
Molecular consequence: missense variant.
Genome position (GRCh38, 1-based): chr2:27,379,002, C>G on the plus strand (G>C on the coding strand, the complement: ZNF513 is on the minus strand). VCF-style: chr2-27379002-C-G. GRCh37 (hg19) VCF-style: chr2-27601869-C-G.
Other names: c.78G>C, p.Glu26Asp (NM_001201459.2); short protein forms E26D, E88D.
Identifiers: ClinVar variation 970183 (VCV000970183.10), dbSNP rs1683491431, ClinGen allele CA346218719.
Genomic context (GRCh38, chr2:27,379,002, plus strand): 5'-TGGACCCCTGGCTGGCTCCTCAACTTCACTCTCCGCACTTAGTGCCCGGCCGCCCCCAGA[C>G]TCATCGTCGCTCAGCCCATAGGGAAGCCCAGGCCTGGCCCCCAGAGAGTCTCCTGGTGAA-3'
Protein context (NP_653232.3, residues 78-98): PGLPYGLSDD[Glu88Asp]SGGGRALSAE